The following is an entry in ClinVar:

ClinVar aggregate classification (germline): Likely benign. Review status: criteria provided, multiple submitters, no conflicts (2 of 4 stars). 5 submissions from 5 submitters: Likely benign (4). 1 of the submissions does not count toward it. Last evaluated 2025-12-02.

Conditions:
Nephrolithiasis/nephrocalcinosis. Identifiers: MedGen CN580796.
CASR-related disorder. Also called: CASR-related condition.
Familial hypocalciuric hypercalcemia (FHH). Also called: Familial benign hypercalcemia. Identifiers: Orphanet 405, MedGen C1809471, MONDO:0018458.
Autosomal dominant hypocalcemia 1 (HYPOC1). Also called: HYPOCALCEMIA, FAMILIAL. Identifiers: MedGen C3715128, MONDO:0011013, OMIM 601198.
Neonatal severe primary hyperparathyroidism. Identifiers: Orphanet 417, MedGen C1832615, MONDO:0009397, OMIM 239200.
Epilepsy, idiopathic generalized, susceptibility to, 8. Identifiers: MedGen C2752062, MONDO:0013032, OMIM 612899.
Familial hypocalciuric hypercalcemia 1. Also called: Hypercalcemia, familial benign type 1. Identifiers: Orphanet 405, Orphanet 93372, MedGen C0342637, MONDO:0007791, OMIM 145980.

Allele frequency attached by ClinVar (database versions not stated): ExAC 0.00002; gnomAD 0.00007 and 0.00009; TOPMed 0.00010; ESP Exome Variant Server 0.00015.
gnomAD v4.1: 15 of 1,614,018 alleles (0.00093%); highest among the groups gnomAD compares: African/African-American, 0.019%; no homozygotes.

Submissions (5):

Labcorp Genetics (formerly Invitae), Labcorp
Classification: Likely benign for Familial hypocalciuric hypercalcemia; Autosomal dominant hypocalcemia 1. Last evaluated: 2025-12-02. Review status: criteria provided, single submitter. Criteria: Invitae Variant Classification Sherloc (09022015). Collection method: clinical testing. Allele origin: germline.

Women's Health and Genetics/Laboratory Corporation of America, LabCorp
Classification: Likely benign. Last evaluated: 2024-06-11. Review status: criteria provided, single submitter. Criteria: LabCorp Variant Classification Summary - May 2015. Collection method: clinical testing. Allele origin: germline.

Ambry Genetics
Classification: Likely benign for Nephrolithiasis/nephrocalcinosis. Last evaluated: 2022-03-07. Review status: criteria provided, single submitter. Criteria: Ambry Variant Classification Scheme 2023. Collection method: clinical testing. Allele origin: germline.

Fulgent Genetics
Classification: Likely benign for Familial hypocalciuric hypercalcemia 1; Neonatal severe primary hyperparathyroidism; Autosomal dominant hypocalcemia 1; Epilepsy, idiopathic generalized, susceptibility to, 8. Last evaluated: 2022-02-03. Review status: criteria provided, single submitter. Criteria: ACMG Guidelines, 2015. Collection method: clinical testing. Allele origin: unknown.

PreventionGenetics, part of Exact Sciences
Classification: Likely benign for CASR-related condition. Last evaluated: 2022-04-14. Review status: no assertion criteria provided. Collection method: clinical testing. Allele origin: germline. Not counted in ClinVar's aggregate classification.
Comment: This variant is classified as likely benign based on ACMG/AMP sequence variant interpretation guidelines (Richards et al. 2015 PMID: 25741868, with internal and published modifications).

NM_000388.4(CASR):c.2844G>A (p.Leu948=)

Gene: CASR (calcium sensing receptor; plus strand). Cytogenetic location: 3q21.1.
Variant type: single nucleotide variant.
Coding change: c.2844G>A on transcript NM_000388.4 (MANE Select); coding-DNA position 2844, G replaced by A.
Protein change: p.Leu948=; no amino-acid change (leucine 948 retained).
Molecular consequence: synonymous variant.
Genome position (GRCh38, 1-based): chr3:122,284,798, G>A. VCF-style: chr3-122284798-G-A. GRCh37 (hg19) VCF-style: chr3-122003645-G-A.
Other names: c.2874G>A, p.Leu958= (NM_001178065.2); c.2874G>A (NM_001178065.1).
Identifiers: ClinVar variation 1128137 (VCV001128137.15), dbSNP rs140586950, ClinGen allele CA2569878.